The following is an entry in ClinVar:

NM_003072.5(SMARCA4):c.828T>A (p.Pro276=)

Gene: SMARCA4 (SWI/SNF related BAF chromatin remodeling complex subunit ATPase 4; plus strand). Cytogenetic location: 19p13.2.
Variant type: single nucleotide variant.
Coding change: c.828T>A on transcript NM_003072.5 (MANE Select); coding-DNA position 828, T replaced by A.
Protein change: p.Pro276=; no amino-acid change (proline 276 retained).
Molecular consequence: synonymous variant. On other transcripts: non-coding transcript variant (1).
Genome position (GRCh38, 1-based): chr19:10,986,972, T>A. VCF-style: chr19-10986972-T-A. GRCh37 (hg19) VCF-style: chr19-11097648-T-A.
Other names: c.828T>A, p.Pro276= (NM_001128844.3, NM_001128845.2, NM_001128846.2 and 5 more transcripts).
Identifiers: ClinVar variation 388904 (VCV000388904.18), dbSNP rs1057523267, ClinGen allele CA16607996.

ClinVar aggregate classification (germline): Benign/Likely benign. Review status: criteria provided, multiple submitters, no conflicts (2 of 4 stars). 5 submissions from 5 submitters: Benign (1); Likely benign (4). Last evaluated 2026-07-09.

Conditions:
Rhabdoid tumor predisposition syndrome 2 (RTPS2). Identifiers: Orphanet 231108, Orphanet 69077, MedGen C2750074, MONDO:0013224, OMIM 613325.
Hereditary cancer-predisposing syndrome. Also called: Hereditary Cancer Syndrome; Hereditary neoplastic syndrome; Neoplastic Syndromes, Hereditary; Tumor predisposition. Identifiers: Orphanet 140162, MedGen C0027672, MeSH D009386, MONDO:0015356.

Allele frequency attached by ClinVar (database versions not stated): TOPMed 0.00001; gnomAD 0.00001.

Submissions (5):

Myriad Genetics, Inc.
Classification: Benign for Rhabdoid tumor predisposition syndrome 2. Last evaluated: 2026-07-09. Review status: criteria provided, single submitter. Criteria: Myriad Autosomal Dominant, Autosomal Recessive and X-Linked Classification Criteria (2023). Collection method: clinical testing. Allele origin: unknown.
Comment: This variant is considered benign. This variant is a silent/synonymous amino acid change and it is not expected to impact splicing.

Labcorp Genetics (formerly Invitae), Labcorp
Classification: Likely benign for Rhabdoid tumor predisposition syndrome 2. Last evaluated: 2025-10-13. Review status: criteria provided, single submitter. Criteria: Invitae Variant Classification Sherloc (09022015). Collection method: clinical testing. Allele origin: germline.

Quest Diagnostics Nichols Institute San Juan Capistrano
Classification: Likely benign. Last evaluated: 2023-02-13. Review status: criteria provided, single submitter. Criteria: Quest Diagnostics criteria. Collection method: clinical testing. Allele origin: unknown.

Ambry Genetics
Classification: Likely benign for Hereditary cancer-predisposing syndrome. Last evaluated: 2017-05-30. Review status: criteria provided, single submitter. Criteria: Ambry Variant Classification Scheme 2023. Collection method: clinical testing. Allele origin: germline.

GeneDx
Classification: Likely benign. Last evaluated: 2016-08-26. Review status: criteria provided, single submitter. Criteria: GeneDx Variant Classification (06012015). Collection method: clinical testing. Allele origin: germline. Affected: yes.
Comment: This variant is considered likely benign or benign based on one or more of the following criteria: it is a conservative change, it occurs at a poorly conserved position in the protein, it is predicted to be benign by multiple in silico algorithms, and/or has population frequency not consistent with disease.